The following is an entry in ClinVar:

NM_173651.4(FSIP2):c.19925G>C (p.Arg6642Pro)

Gene: FSIP2 (fibrous sheath interacting protein 2; plus strand). Cytogenetic location: 2q32.1.
Variant type: single nucleotide variant.
Coding change: c.19925G>C on transcript NM_173651.4 (MANE Select); coding-DNA position 19925, G replaced by C.
Protein change: p.Arg6642Pro; replaces arginine 6642 with proline.
Molecular consequence: missense variant.
Genome position (GRCh38, 1-based): chr2:185,813,642, G>C. VCF-style: chr2-185813642-G-C. GRCh37 (hg19) VCF-style: chr2-186678369-G-C.
Other names: c.19925G>C (NM_173651.3); short protein forms R6642P.
Identifiers: ClinVar variation 2247182 (VCV002247182.3), dbSNP rs773551789, ClinGen allele CA2017797.

ClinVar aggregate classification (germline): Uncertain significance. Review status: criteria provided, multiple submitters, no conflicts (2 of 4 stars). 2 submissions from 2 submitters: Uncertain significance (2). Last evaluated 2026-09-04.

Conditions:
FSIP2-related disorder. Also called: FSIP2-related condition.

gnomAD v4.1: 7 of 1,599,266 alleles (0.00044%); highest among the groups gnomAD compares: East Asian, 0.016%; no homozygotes.

Submissions (2):

PreventionGenetics, part of Exact Sciences
Classification: Uncertain significance for FSIP2-related condition. Last evaluated: 2026-09-04. Review status: criteria provided, single submitter. Criteria: ACMG Guidelines, 2015. Collection method: clinical testing. Allele origin: germline.
Comment: The FSIP2 c.19925G>C variant is predicted to result in the amino acid substitution p.Arg6642Pro. To our knowledge, this variant has not been reported in the literature. This variant is reported in 0.029% of alleles in individuals of East Asian descent in gnomAD. At this time, the clinical significance of this variant is uncertain due to the absence of conclusive functional and genetic evidence.

Ambry Genetics
Classification: Uncertain significance. Last evaluated: 2021-08-30. Review status: criteria provided, single submitter. Criteria: Ambry Variant Classification Scheme 2023. Collection method: clinical testing. Allele origin: germline.